The following is an entry in ClinVar:

NC_000012.12:g.(?_121846842)_(121849810_?)del

Gene: HPD (4-hydroxyphenylpyruvate dioxygenase; minus strand). Cytogenetic location: 12q24.31.
Variant type: Deletion.
Identifiers: ClinVar variation 832353 (VCV000832353.6).

ClinVar aggregate classification (germline): Pathogenic (1 of 4 stars; one submission).

Conditions:
Hawkinsinuria. Identifiers: Orphanet 2118, MedGen C2931042, MONDO:0007700, OMIM 140350, HP:0034457.
Tyrosinemia type III. Also called: Tyrosinemia type 3; 4-alpha hydroxyphenylpyruvic acid oxidase deficiency; 4-alpha hydroxyphenylpyruvate dioxygenase deficiency; 4-Hydroxyphenylpyruvate dioxygenase deficiency; 4-HYDROXYPHENYLPYRUVIC ACID OXIDASE DEFICIENCY. Identifiers: Orphanet 69723, MedGen C0268623, MONDO:0010162, OMIM 276710.

Submission:

Labcorp Genetics (formerly Invitae), Labcorp
Classification: Pathogenic for Tyrosinemia type III; Hawkinsinuria. Last evaluated: 2023-02-16. Review status: criteria provided, single submitter. Criteria: Invitae Variant Classification Sherloc (09022015). Collection method: clinical testing. Allele origin: germline.
Comment: This variant is a gross deletion of the genomic region encompassing exon(s) 8-11 of the HPD gene. This variant would be expected to be in-frame, preserving the integrity of the reading frame. A similar copy number variant has been observed in individual(s) with clinical features of tyrosinemia type III (Invitae). Experimental studies and prediction algorithms are not available or were not evaluated, and the functional significance of this variant is currently unknown. This variant disrupts a region of the HPD protein in which other variant(s) (p.Tyr160Cys) have been determined to be pathogenic (PMID: 10942115, 28649543). This suggests that this is a clinically significant region of the protein, and that variants that disrupt it are likely to be disease-causing. For these reasons, this variant has been classified as Pathogenic.

Literature cited by the submitters: PubMed 10942115; PubMed 28649543.